The following is an entry in ClinVar:

ClinVar aggregate classification (germline): Pathogenic (1 of 4 stars; one submission).

Submission:

GeneDx
Classification: Pathogenic. Last evaluated: 2021-05-27. Review status: criteria provided, single submitter. Criteria: GeneDx Variant Classification Process June 2021. Collection method: clinical testing. Allele origin: germline. Affected: yes.
Comment: Functional studies on patient cell lines demonstrated that this variant introduces a premature stop codon and results in protein truncation or nonsense mediated decay (Tacassoli et al., 2014); Canonical splice site variant predicted to result in a null allele in a gene for which loss-of-function is a known mechanism of disease; Not observed at significant frequency in large population cohorts (Lek et al., 2016) This variant is associated with the following publications: (PMID: 24650168, 31332282, 28714951, 29934975)

NM_001040142.2(SCN2A):c.476+1G>A

Gene: SCN2A (sodium voltage-gated channel alpha subunit 2; plus strand). Cytogenetic location: 2q24.3.
Variant type: single nucleotide variant.
Coding change: c.476+1G>A on transcript NM_001040142.2 (MANE Select); the canonical splice donor site of the intron after coding-DNA position 476, G replaced by A.
Molecular consequence: splice donor variant.
Genome position (GRCh38, 1-based): chr2:165,307,938, G>A. VCF-style: chr2-165307938-G-A. GRCh37 (hg19) VCF-style: chr2-166164448-G-A.
Other names: c.476+1G>A (NM_001040143.2, NM_001371246.1, NM_001371247.1 and 1 more transcripts).
Identifiers: ClinVar variation 1206719 (VCV001206719.3), dbSNP rs2105241466, ClinGen allele CA349015702.